The following is an entry in ClinVar:

NM_138694.4(PKHD1):c.1307C>G (p.Thr436Ser)

Gene: PKHD1 (PKHD1 ciliary IPT domain containing fibrocystin/polyductin; minus strand). Cytogenetic location: 6p12.2.
Variant type: single nucleotide variant.
Coding change: c.1307C>G on transcript NM_138694.4 (MANE Select); coding-DNA position 1307, C replaced by G.
Protein change: p.Thr436Ser; replaces threonine 436 with serine.
Molecular consequence: missense variant.
Genome position (GRCh38, 1-based): chr6:52,058,528, G>C on the plus strand (C>G on the coding strand, the complement: PKHD1 is on the minus strand). VCF-style: chr6-52058528-G-C. GRCh37 (hg19) VCF-style: chr6-51923326-G-C.
Other names: p.Thr436Ser; c.1307C>G, p.Thr436Ser (NM_170724.3); short protein forms T436S.
Identifiers: ClinVar variation 502594 (VCV000502594.22), dbSNP rs146789444, ClinGen allele CA3853588.

ClinVar aggregate classification (germline): Conflicting classifications of pathogenicity. Review status: criteria provided, conflicting classifications (1 of 4 stars). 7 submissions from 7 submitters: Uncertain significance (3); Likely benign (2). 2 of the submissions do not count toward it. Last evaluated 2026-01-20.

Conditions:
PKHD1-related disorder. Also called: PKHD1-related condition.
Inborn genetic diseases. Identifiers: MedGen C0950123, MeSH D030342.
Autosomal recessive polycystic kidney disease (ARPKD). Also called: AR polycystic kidney disease. Identifiers: Orphanet 731, Orphanet 8378, MedGen C0085548, MeSH D017044, MONDO:0009889.

Allele frequency attached by ClinVar (database versions not stated): gnomAD exomes 0.00008 and 0.00018; ExAC 0.00021; 1000 Genomes Project 0.00060; 1000 Genomes Project 30x 0.00062; TOPMed 0.00088; gnomAD 0.00091 and 0.00093; ESP Exome Variant Server 0.00123.
gnomAD v4.1: 259 of 1,614,140 alleles (0.016%); highest among the groups gnomAD compares: African/African-American, 0.32%; 1 homozygote.

Submissions (7):

Labcorp Genetics (formerly Invitae), Labcorp
Classification: Likely benign for Autosomal recessive polycystic kidney disease. Last evaluated: 2026-01-20. Review status: criteria provided, single submitter. Criteria: Invitae Variant Classification Sherloc (09022015). Collection method: clinical testing. Allele origin: germline.

Mayo Clinic Laboratories, Mayo Clinic
Classification: Likely benign. Last evaluated: 2023-07-21. Review status: criteria provided, single submitter. Criteria: ACMG Guidelines, 2015. Collection method: clinical testing. Allele origin: germline. Observed: 1 variant allele.
Comment: BS1, BP4

Ambry Genetics
Classification: Uncertain significance for Inborn genetic diseases. Last evaluated: 2021-08-02. Review status: criteria provided, single submitter. Criteria: Ambry Variant Classification Scheme 2023. Collection method: clinical testing. Allele origin: germline.

Fulgent Genetics
Classification: Uncertain significance for Polycystic kidney disease 4. Last evaluated: 2018-10-31. Review status: criteria provided, single submitter. Criteria: ACMG Guidelines, 2015. Collection method: clinical testing. Allele origin: unknown.

Eurofins Ntd Llc (ga)
Classification: Uncertain significance. Last evaluated: 2018-07-12. Review status: criteria provided, single submitter. Criteria: EGL ClinVar v180209 classification definitions. Collection method: clinical testing. Allele origin: germline. Observed: 2 variant alleles, 2 heterozygotes.

PreventionGenetics, part of Exact Sciences
Classification: Likely benign for PKHD1-related condition. Last evaluated: 2022-03-14. Review status: no assertion criteria provided. Collection method: clinical testing. Allele origin: germline. Not counted in ClinVar's aggregate classification.
Comment: This variant is classified as likely benign based on ACMG/AMP sequence variant interpretation guidelines (Richards et al. 2015 PMID: 25741868, with internal and published modifications).

Natera, Inc.
Classification: Likely benign for Autosomal recessive polycystic kidney disease. Last evaluated: 2020-09-16. Review status: no assertion criteria provided. Collection method: clinical testing. Allele origin: germline. Not counted in ClinVar's aggregate classification.